The following is an entry in ClinVar:

ClinVar aggregate classification (germline): Uncertain significance (1 of 4 stars; one submission).

Conditions:
Koolen-de Vries syndrome (KDVS). Identifiers: Orphanet 96169, MedGen C1864871, MONDO:0012496, OMIM 610443.

Submission:

Labcorp Genetics (formerly Invitae), Labcorp
Classification: Uncertain significance for Koolen-de Vries syndrome. Last evaluated: 2023-10-17. Review status: criteria provided, single submitter. Criteria: Invitae Variant Classification Sherloc (09022015). Collection method: clinical testing. Allele origin: germline.
Comment: This sequence change replaces aspartic acid, which is acidic and polar, with histidine, which is basic and polar, at codon 585 of the KANSL1 protein (p.Asp585His). This variant is not present in population databases (gnomAD no frequency). This variant has not been reported in the literature in individuals affected with KANSL1-related conditions. Advanced modeling of protein sequence and biophysical properties (such as structural, functional, and spatial information, amino acid conservation, physicochemical variation, residue mobility, and thermodynamic stability) has been performed at Invitae for this missense variant, however the output from this modeling did not meet the statistical confidence thresholds required to predict the impact of this variant on KANSL1 protein function. In summary, the available evidence is currently insufficient to determine the role of this variant in disease. Therefore, it has been classified as a Variant of Uncertain Significance.

NM_015443.4(KANSL1):c.1753G>C (p.Asp585His)

Gene: KANSL1 (KAT8 regulatory NSL complex subunit 1). Cytogenetic location: 17q21.31.
Variant type: single nucleotide variant.
Coding change: c.1753G>C on transcript NM_015443.4 (MANE Select); coding-DNA position 1753, G replaced by C.
Protein change: p.Asp585His; replaces aspartic acid 585 with histidine.
Molecular consequence: missense variant.
Genome position (GRCh38, 1-based): chr17:46,066,632, C>G on the plus strand (G>C on the coding strand, the complement: KANSL1 is on the minus strand). VCF-style: chr17-46066632-C-G. GRCh37 (hg19) VCF-style: chr17-44143998-C-G.
Other names: c.1753G>C, p.Asp585His (NM_001193465.2, NM_001193466.2, NM_001379198.1 and 14 more transcripts); c.1651G>C, p.Asp551His (NM_001405859.1, NM_001405860.1, NM_001405861.1 and 1 more transcripts); c.487G>C, p.Asp163His (NM_001405882.1, NM_001405883.1, NM_001405884.1 and 1 more transcripts); short protein forms D163H, D551H, D585H.
Identifiers: ClinVar variation 2791402 (VCV002791402.3), dbSNP rs1430848219, ClinGen allele CA399986602.
Genomic context (GRCh38, chr17:46,066,632, plus strand): 5'-CAAGCCTCCGCTTCTTACAGCTCAGTACAGGACGTGTCCGGGCTGCCACACAGGTGCCAT[C>G]AGATGATGAAGAGACGAGATTCAGTCGTTGCTTCTTATGTAATTGTTCCTCAGCATCAGA-3'
Protein context (NP_056258.1, residues 575-595): QRLNLVSSSS[Asp585His]GTCVAARTRP